The following is an entry in ClinVar:

NM_000248.4(MITF):c.33+2T>C

Gene: MITF (melanocyte inducing transcription factor; plus strand). Cytogenetic location: 3p13.
Variant type: single nucleotide variant.
Coding change: c.33+2T>C on transcript NM_000248.4 (MANE Plus Clinical); the canonical splice donor site of the intron after coding-DNA position 33, T replaced by C.
Molecular consequence: splice donor variant. On other transcripts: intron variant (9).
Genome position (GRCh38, 1-based): chr3:69,936,757, T>C. VCF-style: chr3-69936757-T-C. GRCh37 (hg19) VCF-style: chr3-69985908-T-C.
Other names: c.304-1065T>C (NM_001354607.2); c.199-1065T>C (NM_001354608.2, NM_001184967.2); c.355-1065T>C (NM_001354604.2, NM_198159.3); c.352-1065T>C (NM_001354605.2, NM_001354606.2, NM_006722.3); c.307-1065T>C (NM_198177.3); c.33+2T>C (NM_198158.3, NM_198178.3, NM_001184968.2).
Identifiers: ClinVar variation 2020579 (VCV002020579.4), dbSNP rs2471579653, ClinGen allele CA353560235.

ClinVar aggregate classification (germline): Uncertain significance (1 of 4 stars; one submission).

Conditions:
Waardenburg syndrome type 2A (WS2A). Also called: WAARDENBURG SYNDROME WITHOUT DYSTOPIA CANTHORUM. Identifiers: Orphanet 3440, MedGen C1860339, MONDO:0008671, OMIM 193510.
Melanoma, cutaneous malignant, susceptibility to, 8. Also called: Cutaneous malignant melanoma 8; MELANOMA AND RENAL CELL CARCINOMA, SUSCEPTIBILITY TO. Identifiers: Orphanet 293822, MedGen C3152204, MONDO:0013759, OMIM 614456.
Tietz syndrome (TADS). Also called: ALBINISM-DEAFNESS OF TIETZ; TIETZ ALBINISM-DEAFNESS SYNDROME; HYPOPIGMENTATION/DEAFNESS OF TIETZ. Identifiers: Orphanet 42665, MedGen C0391816, MONDO:0007077, OMIM 103500.

Submission:

Labcorp Genetics (formerly Invitae), Labcorp
Classification: Uncertain significance for Melanoma, cutaneous malignant, susceptibility to, 8; Waardenburg syndrome type 2A; Tietz syndrome. Last evaluated: 2022-07-30. Review status: criteria provided, single submitter. Criteria: Invitae Variant Classification Sherloc (09022015). Collection method: clinical testing. Allele origin: germline.
Comment: In summary, the available evidence is currently insufficient to determine the role of this variant in disease. Therefore, it has been classified as a Variant of Uncertain Significance. Algorithms developed to predict the effect of sequence changes on RNA splicing suggest that this variant may disrupt the consensus splice site. This variant has not been reported in the literature in individuals affected with MITF-related conditions. This variant is not present in population databases (gnomAD no frequency). This sequence change affects a donor splice site in intron 1 of the MITF gene. It is expected to disrupt RNA splicing. Variants that disrupt the donor or acceptor splice site typically lead to a loss of protein function (PMID: 16199547), however the current clinical and genetic evidence is not sufficient to establish whether loss-of-function variants in MITF cause disease.

Literature cited by the submitters: PubMed 16199547.